The following is an entry in ClinVar:

ClinVar aggregate classification (germline): Uncertain significance (1 of 4 stars; one submission).

Submission:

GeneDx
Classification: Uncertain significance. Last evaluated: 2021-05-05. Review status: criteria provided, single submitter. Criteria: GeneDx Variant Classification Process June 2021. Collection method: clinical testing. Allele origin: germline. Affected: yes.
Comment: Not observed in large population cohorts (Lek 2016); In-frame insertion of 1 amino acids in a non-repeat region; Has not been previously published as pathogenic or benign to our knowledge

NM_000051.4(ATM):c.7408_7410dup (p.Tyr2470_Ile2471insTyr)

Genes: ATM (ATM serine/threonine kinase; plus strand), C11orf65 (chromosome 11 open reading frame 65; minus strand). Cytogenetic location: 11q22.3.
Variant type: Duplication.
Coding change: c.7408_7410dup on transcript NM_000051.4 (MANE Select); coding-DNA positions 7408 to 7410, 3 bases duplicated (TAT; older notation c.7408_7410dupTAT).
Protein change: p.Tyr2470_Ile2471insTyr.
Molecular consequence: inframe insertion. On other transcripts: intron variant (2).
Genome position (GRCh38, 1-based): chr11:108,330,314-108,330,316, TAT duplicated; duplicating any 3 consecutive bases within chr11:108,330,312-108,330,316 gives the same sequence; the c. name uses the placement nearest the transcript's 3' end. VCF-style (leftmost placement, unchanged base first): chr11-108330311-A-AATT. GRCh37 (hg19) VCF-style: chr11-108201038-A-AATT.
Other names: c.7408_7410dup, p.Tyr2470_Ile2471insTyr (NM_001351834.2); c.641-21243_641-21241dup (NM_001330368.2); c.*38+4906_*38+4908dup (NM_001351110.2).
Identifiers: ClinVar variation 1320615 (VCV001320615.4), dbSNP rs2136457968, ClinGen allele CA2573053413.
Genomic context (GRCh38, chr11:108,330,311, plus strand): 5'-GAATTAGCCCTGCGTGCACTGAAAGAGGATCGTAAACGCTTCTTATGTAAAGCAGTTGAA[A>AATT]ATTATATCAACTGCTTATTAAGTGGAGAAGAACATGATATGTGGGTATTCCGACTTTGTT-3'